The following is an entry in ClinVar:

ClinVar aggregate classification (germline): Uncertain significance (1 of 4 stars; one submission).

gnomAD v4.1: 1 of 1,607,940 alleles (0.000062%); no homozygotes.

Submission:

GeneDx
Classification: Uncertain significance. Last evaluated: 2023-03-24. Review status: criteria provided, single submitter. Criteria: GeneDx Variant Classification Process June 2021. Collection method: clinical testing. Allele origin: germline. Affected: yes.
Comment: Not observed at significant frequency in large population cohorts (gnomAD); In silico analysis supports that this missense variant has a deleterious effect on protein structure/function; Has not been previously published as pathogenic or benign to our knowledge

NM_016648.4(LARP7):c.518T>C (p.Phe173Ser)

Genes: LARP7 (La ribonucleoprotein 7, transcriptional regulator; plus strand), MIR302CHG (miR-302/367 cluster host gene; minus strand). Cytogenetic location: 4q25.
Variant type: single nucleotide variant.
Coding change: c.518T>C on transcript NM_016648.4 (MANE Select); coding-DNA position 518, T replaced by C.
Protein change: p.Phe173Ser; replaces phenylalanine 173 with serine.
Molecular consequence: missense variant. On other transcripts: non-coding transcript variant (3).
Genome position (GRCh38, 1-based): chr4:112,646,921, T>C. VCF-style: chr4-112646921-T-C. GRCh37 (hg19) VCF-style: chr4-113568077-T-C.
Other names: c.518T>C, p.Phe173Ser (NM_001267039.4, NM_001370974.1, NM_001370975.1 and 6 more transcripts); c.281T>C, p.Phe94Ser (NM_001370981.1, NM_001370982.1); short protein forms F173S, F94S.
Identifiers: ClinVar variation 2582056 (VCV002582056.1), dbSNP rs2477768655, ClinGen allele CA357923824.